The following is an entry in ClinVar:

ClinVar aggregate classification (germline): Uncertain significance (1 of 4 stars; one submission).

Conditions:
Noonan syndrome (NS). Also called: Noonan's syndrome. Identifiers: Orphanet 648, MedGen C0028326, MeSH D009634, MONDO:0018997. Disease mechanism: gain of function.

Submission:

Labcorp Genetics (formerly Invitae), Labcorp
Classification: Uncertain significance for Noonan syndrome. Last evaluated: 2022-07-13. Review status: criteria provided, single submitter. Criteria: Invitae Variant Classification Sherloc (09022015). Collection method: clinical testing. Allele origin: germline.
Comment: In summary, the available evidence is currently insufficient to determine the role of this variant in disease. Therefore, it has been classified as a Variant of Uncertain Significance. This sequence change replaces cysteine, which is neutral and slightly polar, with arginine, which is basic and polar, at codon 215 of the RRAS protein (p.Cys215Arg). This variant is not present in population databases (gnomAD no frequency). This variant has not been reported in the literature in individuals affected with RRAS-related conditions. Algorithms developed to predict the effect of missense changes on protein structure and function are either unavailable or do not agree on the potential impact of this missense change (SIFT: "Deleterious"; PolyPhen-2: "Probably Damaging"; Align-GVGD: "Class C0").

NM_006270.5(RRAS):c.643T>C (p.Cys215Arg)

Gene: RRAS (RAS related; minus strand). Cytogenetic location: 19q13.33.
Variant type: single nucleotide variant.
Coding change: c.643T>C on transcript NM_006270.5 (MANE Select); coding-DNA position 643, T replaced by C.
Protein change: p.Cys215Arg; replaces cysteine 215 with arginine.
Molecular consequence: missense variant.
Genome position (GRCh38, 1-based): chr19:49,635,590, A>G on the plus strand (T>C on the coding strand, the complement: RRAS is on the minus strand). VCF-style: chr19-49635590-A-G. GRCh37 (hg19) VCF-style: chr19-50138847-A-G.
Other names: short protein forms C215R.
Identifiers: ClinVar variation 2131899 (VCV002131899.4), dbSNP rs777971803, ClinGen allele CA406845206.